The following is an entry in ClinVar:

ClinVar aggregate classification (germline): Likely pathogenic (1 of 4 stars; one submission).

Submission:

GeneDx
Classification: Likely pathogenic. Last evaluated: 2016-03-10. Review status: criteria provided, single submitter. Criteria: GeneDx Variant Classification (06012015). Collection method: clinical testing. Allele origin: germline. Affected: yes.
Comment: The Q31H variant in the MED12 gene has not been reported previously as a pathogenic variant, nor as a benign variant, to our knowledge. The Q31H variant was not observed in approximately 5800 individuals of European and African American ancestry in the NHLBI Exome Sequencing Project, indicating it is not a common benign variant in these populations. The Q31H variant is a semi-conservative amino acid substitution, which may impact secondary protein structure as these residues differ in some properties. This substitution occurs at a position that is conserved across species. In silico analysis predicts this variant is probably damaging to the protein structure/function. We interpret Q31H as strong candidate for a pathogenic variant; however, the possibility that Q31H may be a rare benign variant cannot be excluded.

NM_005120.3(MED12):c.93G>C (p.Gln31His)

Gene: MED12 (mediator complex subunit 12; plus strand). Cytogenetic location: Xq13.1.
Variant type: single nucleotide variant.
Coding change: c.93G>C on transcript NM_005120.3 (MANE Select); coding-DNA position 93, G replaced by C.
Protein change: p.Gln31His; replaces glutamine 31 with histidine.
Molecular consequence: missense variant.
Genome position (GRCh38, 1-based): chrX:71,118,847, G>C. VCF-style: chrX-71118847-G-C. GRCh37 (hg19) VCF-style: chrX-70338697-G-C.
Other names: short protein forms Q31H.
Identifiers: ClinVar variation 384545 (VCV000384545.2), dbSNP rs1057521988, ClinGen allele CA16609206.
Genomic context (GRCh38, chrX:71,118,847, plus strand): 5'-CCGGCCCCTGAAGCGGCCGCGGCTGGGGCCTCCCGATGTTTACCCTCAGGACCCCAAACA[G>C]AAGGAGGTGCGTTCGAAAATCGGGGCTCTGGAGGGGCCGGGGGCACGCGGTCAGCCTAGG-3'
Protein context (NP_005111.2, residues 21-41): PPDVYPQDPK[Gln31His]KEDELTALNV